The following is an entry in ClinVar:

ClinVar aggregate classification (germline): Uncertain significance (1 of 4 stars; one submission).

Conditions:
Cardiovascular phenotype. Identifiers: MedGen CN230736.

Submission:

Ambry Genetics
Classification: Uncertain significance for Cardiovascular phenotype. Last evaluated: 2025-12-01. Review status: criteria provided, single submitter. Criteria: Ambry Variant Classification Scheme 2023. Collection method: clinical testing. Allele origin: germline.
Comment: The p.K1790Q variant (also known as c.5368A>C), located in coding exon 13 of the ALPK3 gene, results from an A to C substitution at nucleotide position 5368. The lysine at codon 1790 is replaced by glutamine, an amino acid with similar properties. This amino acid position is not well conserved in available vertebrate species. In addition, this alteration is predicted to be tolerated by in silico analysis. Based on the available evidence, the clinical significance of this variant remains unclear.

NM_020778.5(ALPK3):c.4762A>C (p.Lys1588Gln)

Gene: ALPK3 (alpha kinase 3; plus strand). Cytogenetic location: 15q25.3.
Variant type: single nucleotide variant.
Coding change: c.4762A>C on transcript NM_020778.5 (MANE Select); coding-DNA position 4762, A replaced by C.
Protein change: p.Lys1588Gln; replaces lysine 1588 with glutamine.
Molecular consequence: missense variant.
Genome position (GRCh38, 1-based): chr15:84,867,355, A>C. VCF-style: chr15-84867355-A-C. GRCh37 (hg19) VCF-style: chr15-85410586-A-C.
Other names: short protein forms K1588Q.
Identifiers: ClinVar variation 4613516 (VCV004613516.1).